The following is an entry in ClinVar:

NM_005726.6(TSFM):c.58-96A>G

Gene: TSFM (Ts translation elongation factor, mitochondrial; plus strand). Cytogenetic location: 12q14.1.
Variant type: single nucleotide variant.
Coding change: c.58-96A>G on transcript NM_005726.6 (MANE Select); 96 bases into the intron before coding-DNA position 58, A replaced by G.
Molecular consequence: intron variant.
Genome position (GRCh38, 1-based): chr12:57,783,014, A>G. VCF-style: chr12-57783014-A-G. GRCh37 (hg19) VCF-style: chr12-58176797-A-G.
Other names: c.58-96A>G (NM_001172697.2, NM_001172696.2, NM_001172695.2).
Identifiers: ClinVar variation 676766 (VCV000676766.2), dbSNP rs11614185, ClinGen allele CA13759689.

ClinVar aggregate classification (germline): Likely benign. Review status: criteria provided, multiple submitters, no conflicts (2 of 4 stars). 2 submissions from 2 submitters: Likely benign (2). Last evaluated 2018-06-16.

Allele frequency attached by ClinVar (database versions not stated): 1000 Genomes Project 0.01358; 1000 Genomes Project 30x 0.01530; TOPMed 0.03147; gnomAD 0.03318.
gnomAD v4.1: 72,681 of 1,508,258 alleles (4.8%); highest among the groups gnomAD compares: Non-Finnish European, 5.9%; 2,106 homozygotes.

Submissions (2):

GeneDx
Classification: Likely benign. Last evaluated: 2018-06-16. Review status: criteria provided, single submitter. Criteria: GeneDx Variant Classification (06012015). Collection method: clinical testing. Allele origin: germline. Affected: yes.
Comment: This variant is considered likely benign or benign based on one or more of the following criteria: it is a conservative change, it occurs at a poorly conserved position in the protein, it is predicted to be benign by multiple in silico algorithms, and/or has population frequency not consistent with disease.

Breakthrough Genomics
Classification: Likely benign. Review status: criteria provided, single submitter. Criteria: ACMG Guidelines, 2015. Collection method: not provided. Allele origin: germline. Inheritance: Autosomal recessive inheritance. Affected: yes.